The following is an entry in ClinVar:

ClinVar aggregate classification (germline): Pathogenic/Likely pathogenic. Review status: criteria provided, multiple submitters, no conflicts (2 of 4 stars). 4 submissions from 4 submitters: Pathogenic (1); Likely pathogenic (1). 2 of the submissions do not count toward it. Last evaluated 2023-08-07.

Conditions:
Mitochondrial complex IV deficiency, nuclear type 12. Also called: Mitochondrial complex 4 deficiency, nuclear type 12. Identifiers: MedGen C5436695, MONDO:0033646, OMIM 619055.
Congenital lactic acidosis. Identifiers: MedGen C4025276, HP:0004902.
Mitochondrial complex IV deficiency, nuclear type 1 (MC4DN1). Also called: COX DEFICIENCY; Mitochondrial complex IV deficiency; Complex 4 mitochondrial respiratory chain deficiency; Deficiency of mitochondrial respiratory chain complex4; Complex IV deficiency. Identifiers: MedGen C5435656, MONDO:0700250, OMIM 220110. Disease mechanism: loss of function.

Allele frequency attached by ClinVar (database versions not stated): gnomAD exomes below 0.00001 and 0.00001; ExAC 0.00007.
gnomAD v4.1: 2 of 1,535,668 alleles (0.00013%); highest among the groups gnomAD compares: South Asian, 0.0024%; no homozygotes.

Submissions (4):

Women's Health and Genetics/Laboratory Corporation of America, LabCorp
Classification: Pathogenic for Mitochondrial complex IV deficiency, nuclear type 1. Last evaluated: 2023-08-07. Review status: criteria provided, single submitter. Criteria: LabCorp Variant Classification Summary - May 2015. Collection method: clinical testing. Allele origin: germline.
Comment: Variant summary: PET100 c.142C>T (p.Gln48X) results in a premature termination codon, predicted to cause a truncation of the encoded protein, which is a known mechanisms for disease. While this variant is not expected to result in nonsense mediated decay, it is predicted to disrupt the last 26 amino acids of the protein. The variant allele was found at a frequency of 7.3e-06 in 137842 control chromosomes (i.e., 1 heterozygote; gnomAD v2 Exomes dataset). The available data on variant occurrences in the general population are insufficient to allow any conclusion about variant significance. c.142C>T has been reported in the literature in at least one homozygous individual affected with Cytochrome-c oxidase deficiency disease (e.g., Olahova_2015). These data indicate that the variant is likely to be associated with disease. At least one publication reports experimental evidence evaluating an impact on protein function, finding that the variant results in <10% complex IV activity in homozygous patient muscle tissue and fibroblasts (e.g., Olahova_2015). The following publication was ascertained in the context of this evaluation (PMID: 25293719). Two submitters have reported clinical-significance assessments for this variant to ClinVar after 2014. All submitters classified the variant as pathogenic/likely pathogenic. Based on the evidence outlined above, the variant was classified as pathogenic.

SIB Swiss Institute of Bioinformatics
Classification: Likely pathogenic for Mitochondrial complex IV deficiency, nuclear type 12. Last evaluated: 2020-12-04. Review status: criteria provided, single submitter. Criteria: ACMG Guidelines, 2015. Collection method: curation. Allele origin: unknown.
Comment: This variant is interpreted as Likely pathogenic for Mitochondrial complex IV deficiency, nuclear type 12, autosomal recessive. The following ACMG Tag(s) were applied: Absent from controls (or at extremely low frequency if recessive) in Exome Sequencing Project, 1000 Genomes Project, or Exome Aggregation Consortium (PM2); Protein length changes as a result of in-frame deletions/insertions in a nonrepeat region or stop-loss variants (PM4); Well-established functional studies show a deleterious effect (PS3 downgraded to moderate).

OMIM
Classification: Pathogenic for MITOCHONDRIAL COMPLEX IV DEFICIENCY, NUCLEAR TYPE 12. Last evaluated: 2020-10-23. Review status: no assertion criteria provided. Collection method: literature only. Allele origin: germline. Not counted in ClinVar's aggregate classification.

Mitochondrial Research Group, Newcastle University
Classification: Pathogenic for Cytochrome-c oxidase deficiency; Congenital lactic acidosis. Last evaluated: 2014-05-12. Review status: no assertion criteria provided. Collection method: clinical testing. Allele origin: biparental. Affected: yes. Not counted in ClinVar's aggregate classification.

Literature cited by the submitters: PubMed 25293719 (cited by 4 submitters).

NM_001171155.2(PET100):c.142C>T (p.Gln48Ter)

Genes: STXBP2 (syntaxin binding protein 2; plus strand), PET100 (PET100 cytochrome c oxidase chaperone; plus strand). Cytogenetic location: 19p13.2.
Variant type: single nucleotide variant.
Coding change: c.142C>T on transcript NM_001171155.2 (MANE Select); coding-DNA position 142, C replaced by T.
Protein change: p.Gln48Ter; replaces glutamine 48 with a stop codon.
Molecular consequence: nonsense. On other transcripts: non-coding transcript variant (1).
Genome position (GRCh38, 1-based): chr19:7,631,476, C>T. VCF-style: chr19-7631476-C-T. GRCh37 (hg19) VCF-style: chr19-7696362-C-T.
Other names: short protein forms Q48*.
Identifiers: ClinVar variation 128250 (VCV000128250.4), dbSNP rs587779779, ClinGen allele CA213091.